The following is an entry in ClinVar:

NM_025081.3(NYNRIN):c.3376C>T (p.Pro1126Ser)

Gene: NYNRIN (NYN domain and retroviral integrase containing; plus strand). Cytogenetic location: 14q12.
Variant type: single nucleotide variant.
Coding change: c.3376C>T on transcript NM_025081.3 (MANE Select); coding-DNA position 3376, C replaced by T.
Protein change: p.Pro1126Ser; replaces proline 1126 with serine.
Molecular consequence: missense variant.
Genome position (GRCh38, 1-based): chr14:24,415,125, C>T. VCF-style: chr14-24415125-C-T. GRCh37 (hg19) VCF-style: chr14-24884331-C-T.
Other names: short protein forms P1126S.
Identifiers: ClinVar variation 4803861 (VCV004803861.1).
Genomic context (GRCh38, chr14:24,415,125, plus strand): 5'-GATGCCATCCCTGACTATGAAGCCCTAGTGGGCCCCCTGCACAGCCTCCTCAAGCAGAAG[C>T]CTGACTGGCAGTGGGACCAGGAGCATGAGGAGGCCTTCCTGGCCCTGAAGCGAGCCCTGG-3'
Protein context (NP_079357.2, residues 1116-1136): GPLHSLLKQK[Pro1126Ser]DWQWDQEHEE

ClinVar aggregate classification (germline): Uncertain significance (1 of 4 stars; one submission).

gnomAD v4.1: 3 of 1,606,196 alleles (0.00019%); highest among the groups gnomAD compares: Non-Finnish European, 0.00025%; no homozygotes.

Submission:

Labcorp Genetics (formerly Invitae), Labcorp
Classification: Uncertain significance. Last evaluated: 2025-09-10. Review status: criteria provided, single submitter. Criteria: Invitae Variant Classification Sherloc (09022015). Collection method: clinical testing. Allele origin: germline.
Comment: This sequence change replaces proline, which is neutral and non-polar, with serine, which is neutral and polar, at codon 1126 of the NYNRIN protein (p.Pro1126Ser). This variant is present in population databases (rs766882927, gnomAD 0.003%). This variant has not been reported in the literature in individuals affected with NYNRIN-related conditions. Experimental studies and prediction algorithms are not available or were not evaluated, and the functional significance of this variant is currently unknown. In summary, the available evidence is currently insufficient to determine the role of this variant in disease. Therefore, it has been classified as a Variant of Uncertain Significance.